The following is an entry in ClinVar:

ClinVar aggregate classification (germline): Pathogenic. Review status: criteria provided, multiple submitters, no conflicts (2 of 4 stars). 5 submissions from 5 submitters: Pathogenic (5). Last evaluated 2025-05-24.

Conditions:
CYBB-related disorder. Also called: CYBB-related condition.
CYBB-related disorders.
Granulomatous disease, chronic, X-linked. Also called: CYTOCHROME b-NEGATIVE GRANULOMATOUS DISEASE, CHRONIC, X-LINKED; GRANULOMATOUS DISEASE, CHRONIC, X-LINKED, SOMATIC MOSAIC. Identifiers: Orphanet 379, MedGen C1844376, MONDO:0010600, OMIM 306400.

Submissions (5):

PreventionGenetics, part of Exact Sciences
Classification: Pathogenic for CYBB-related condition. Last evaluated: 2025-05-24. Review status: criteria provided, single submitter. Criteria: ACMG Guidelines, 2015. Collection method: clinical testing. Allele origin: germline.
Comment: The CYBB c.388C>T variant is predicted to result in premature protein termination (p.Arg130*). This variant has been well-documented to be pathogenic for chronic granulomatous disease (See for examples: Roos et al. 1996. PubMed ID: 8634410; Kannengiesser et al. 2008. PubMed ID: 18546332; Zhou et al. 2018. PubMed ID: 29560547). This variant has not been reported in a large population database (gnomAD), indicating this variant is rare. Nonsense variants in CYBB are expected to be pathogenic. This variant is interpreted as pathogenic.

GeneDx
Classification: Pathogenic. Last evaluated: 2025-05-22. Review status: criteria provided, single submitter. Criteria: GeneDx Variant Classification Process June 2021. Collection method: clinical testing. Allele origin: germline. Affected: yes.
Comment: Nonsense variant predicted to result in protein truncation or nonsense mediated decay in a gene for which loss of function is a known mechanism of disease; Not observed at significant frequency in large population cohorts (gnomAD); This variant is associated with the following publications: (PMID: 30470980, 35140711, 25525159, 29702544, 29560547, 30894704, 34134972, 33717137, 35753512, 35874699, 35729272, 11462241, 18546332, 37434114, 8634410, 37898571, 36950172, 36662455)

Labcorp Genetics (formerly Invitae), Labcorp
Classification: Pathogenic for Granulomatous disease, chronic, X-linked. Last evaluated: 2025-03-31. Review status: criteria provided, single submitter. Criteria: Invitae Variant Classification Sherloc (09022015). Collection method: clinical testing. Allele origin: germline.
Comment: This sequence change creates a premature translational stop signal (p.Arg130*) in the CYBB gene. It is expected to result in an absent or disrupted protein product. Loss-of-function variants in CYBB are known to be pathogenic (PMID: 9585602, 20729109). This variant is not present in population databases (gnomAD no frequency). This premature translational stop signal has been observed in individual(s) with chronic granulomatous disease (PMID: 8634410, 11462241, 18546332, 29560547, 29702544). ClinVar contains an entry for this variant (Variation ID: 862779). Algorithms developed to predict the effect of sequence changes on RNA splicing suggest that this variant may disrupt the consensus splice site. For these reasons, this variant has been classified as Pathogenic.

Blueprint Genetics
Classification: Pathogenic for CYBB-related disorders. Last evaluated: 2020-07-28. Review status: criteria provided, single submitter. Criteria: ACMG Guidelines, 2015. Collection method: clinical testing. Allele origin: germline. Affected: yes. Observed: 2 variant alleles.

Women's Health and Genetics/Laboratory Corporation of America, LabCorp
Classification: Pathogenic for Chronic granulomatous disease, X-linked. Last evaluated: 2020-03-25. Review status: criteria provided, single submitter. Criteria: LabCorp Variant Classification Summary - May 2015. Collection method: clinical testing. Allele origin: germline.
Comment: Variant summary: CYBB c.388C>T (p.Arg130X; also known in the literature as c.400C>T) results in a premature termination codon, predicted to cause a truncation of the encoded protein or absence of the protein due to nonsense mediated decay, which are commonly known mechanisms for disease. Truncations downstream of this position have been classified as pathogenic by our laboratory. The variant was absent in 182420 control chromosomes (gnomAD). c.388C>T has been reported in the literature in multiple individuals affected with X-linked Chronic Granulomatous Disease (e.g. Roos_1996, Kannengiesser_2008, Kulkarni_2018). These data indicate that the variant is very likely to be associated with disease. At least one publication reports experimental evidence evaluating an impact on protein function. Patient neutrophils with the variant were shown to be defective by in-vitro assays (Kannengiesser_2008, Kulkarni_2018). No clinical diagnostic laboratories have submitted clinical-significance assessments for this variant to ClinVar after 2014. Based on the evidence outlined above, the variant was classified as pathogenic.

Literature cited by the submitters: PubMed 9585602 (cited by Labcorp Genetics (formerly Invitae), Labcorp); PubMed 20729109 (cited by Labcorp Genetics (formerly Invitae), Labcorp); PubMed 8634410 (cited by Labcorp Genetics (formerly Invitae), Labcorp and Women's Health and Genetics/Laboratory Corporation of America, LabCorp); PubMed 11462241 (cited by Labcorp Genetics (formerly Invitae), Labcorp); PubMed 18546332 (cited by Labcorp Genetics (formerly Invitae), Labcorp and Women's Health and Genetics/Laboratory Corporation of America, LabCorp); PubMed 29560547 (cited by Labcorp Genetics (formerly Invitae), Labcorp); PubMed 29702544 (cited by Labcorp Genetics (formerly Invitae), Labcorp); PubMed 30470980 (cited by Women's Health and Genetics/Laboratory Corporation of America, LabCorp).

NM_000397.4(CYBB):c.388C>T (p.Arg130Ter)

Gene: CYBB (cytochrome b-245 beta chain; plus strand). Cytogenetic location: Xp21.1.
Variant type: single nucleotide variant.
Coding change: c.388C>T on transcript NM_000397.4 (MANE Select); coding-DNA position 388, C replaced by T.
Protein change: p.Arg130Ter; replaces arginine 130 with a stop codon.
Molecular consequence: nonsense.
Genome position (GRCh38, 1-based): chrX:37,793,715, C>T. VCF-style: chrX-37793715-C-T. GRCh37 (hg19) VCF-style: chrX-37652968-C-T.
Other names: short protein forms R130*.
Identifiers: ClinVar variation 862779 (VCV000862779.12), dbSNP rs180899069, ClinGen allele CA412975180.